The following is an entry in ClinVar:

NM_000548.5(TSC2):c.1120-10G>A

Gene: TSC2 (TSC complex subunit 2; plus strand). Cytogenetic location: 16p13.3.
Variant type: single nucleotide variant.
Coding change: c.1120-10G>A on transcript NM_000548.5 (MANE Select); 10 bases into the intron before coding-DNA position 1120, G replaced by A.
Molecular consequence: intron variant.
Genome position (GRCh38, 1-based): chr16:2,061,861, G>A. VCF-style: chr16-2061861-G-A. GRCh37 (hg19) VCF-style: chr16-2111862-G-A.
Other names: c.1120-10G>A (NM_001114382.3, NM_021055.3, NM_001370405.1 and 3 more transcripts); c.1009-10G>A (NM_001318827.2); c.520-10G>A (NM_001318831.2); c.973-10G>A (NM_001318829.2); c.1153-10G>A (NM_001318832.2).
Identifiers: ClinVar variation 1437515 (VCV001437515.8), dbSNP rs2151153517, ClinGen allele CA2573151570.

ClinVar aggregate classification (germline): Uncertain significance (1 of 4 stars; one submission).

Conditions:
Tuberous sclerosis 2 (TSC2). Identifiers: Orphanet 805, MedGen C1860707, MONDO:0013199, OMIM 613254.

Submission:

Labcorp Genetics (formerly Invitae), Labcorp
Classification: Uncertain significance for Tuberous sclerosis 2. Last evaluated: 2024-07-11. Review status: criteria provided, single submitter. Criteria: Invitae Variant Classification Sherloc (09022015). Collection method: clinical testing. Allele origin: germline.
Comment: This sequence change falls in intron 11 of the TSC2 gene. It does not directly change the encoded amino acid sequence of the TSC2 protein. This variant is not present in population databases (gnomAD no frequency). This variant has not been reported in the literature in individuals affected with TSC2-related conditions. ClinVar contains an entry for this variant (Variation ID: 1437515). Studies have shown that this variant is associated with inconclusive levels of altered splicing (Invitae). In summary, the available evidence is currently insufficient to determine the role of this variant in disease. Therefore, it has been classified as a Variant of Uncertain Significance.